The following is an entry in ClinVar:

ClinVar aggregate classification (germline): Pathogenic. Review status: reviewed by expert panel (3 of 4 stars). 19 submissions from 19 submitters: Pathogenic (1). 18 of the submissions do not count toward it. Last evaluated 2013-09-05.

Conditions:
Hereditary nonpolyposis colon cancer (HNPCC). Also called: Hereditary nonpolyposis colorectal cancer; Familial nonpolyposis colon cancer; Hereditary Nonpolyposis Colorectal Cancer Syndrome. Identifiers: Orphanet 443909, MedGen C1333990, MONDO:0018630. Disease mechanism: loss of function.
Mismatch repair cancer syndrome 4. Identifiers: MedGen C5436817, MONDO:0030843, OMIM 619101.
Hereditary nonpolyposis colorectal neoplasms. Identifiers: MedGen C0009405, MeSH D003123.
Inherited MMR deficiency (Lynch syndrome).
Hereditary cancer-predisposing syndrome. Also called: Neoplastic Syndromes, Hereditary; Tumor predisposition; Hereditary Cancer Syndrome; Hereditary neoplastic syndrome. Identifiers: Orphanet 140162, MedGen C0027672, MeSH D009386, MONDO:0015356.
Lynch syndrome. Identifiers: Orphanet 144, MedGen C4552100, MONDO:0005835. Disease mechanism: loss of function.
Lynch syndrome 4 (LYNCH4). Also called: Colorectal cancer, hereditary nonpolyposis, type 4; Hereditary non-polyposis colorectal cancer, type 4. Identifiers: Orphanet 144, MedGen C1838333, MONDO:0013699, OMIM 614337. Disease mechanism: loss of function.

Submissions 1 to 11 of 19:

International Society for Gastrointestinal Hereditary Tumours (InSiGHT)
Classification: Pathogenic for Lynch Syndrome. Last evaluated: 2013-09-05. Review status: reviewed by expert panel. Criteria: Guidelines v1.9. Collection method: research. Allele origin: germline.
Comment: Coding sequence variation resulting in a stop codon

Classified with v1.9 guidelines

Labcorp Genetics (formerly Invitae), Labcorp
Classification: Pathogenic for Hereditary nonpolyposis colorectal neoplasms. Last evaluated: 2026-01-11. Review status: criteria provided, single submitter. Criteria: Invitae Variant Classification Sherloc (09022015). Collection method: clinical testing. Allele origin: germline. Not counted in ClinVar's aggregate classification.
Comment: This sequence change creates a premature translational stop signal (p.Gln233*) in the PMS2 gene. It is expected to result in an absent or disrupted protein product. Loss-of-function variants in PMS2 are known to be pathogenic (PMID: 21376568, 24362816). This variant is present in population databases (rs587779343, gnomAD 0.002%). This premature translational stop signal has been observed in individual(s) with Lynch syndrome and suspected Lynch syndrome (PMID: 19132747, 20186688, 25512458, 26110232, 27435373). Invitae Evidence Modeling of clinical and family history, age, sex, and reported ancestry of multiple individuals with this PMS2 variant has been performed. This variant is expected to be pathogenic with a positive predictive value of at least 99%. This is a validated machine learning model that incorporates the clinical features of 1,627,235 individuals referred to our laboratory for PMS2 testing. ClinVar contains an entry for this variant (Variation ID: 91362). RNA analysis performed to evaluate the impact of this premature translational stop signal on mRNA splicing indicates it does not significantly alter splicing (internal data). For these reasons, this variant has been classified as Pathogenic.

Ambry Genetics
Classification: Pathogenic for Hereditary cancer-predisposing syndrome. Last evaluated: 2025-03-20. Review status: criteria provided, single submitter. Criteria: Ambry Variant Classification Scheme 2023. Collection method: clinical testing. Allele origin: germline. Not counted in ClinVar's aggregate classification.
Comment: The p.Q233* pathogenic mutation (also known as c.697C>T), located in coding exon 6 of the PMS2 gene, results from a C to T substitution at nucleotide position 697. This changes the amino acid from a glutamine to a stop codon within coding exon 6. It has since been reported in multiple families with Lynch syndrome associated cancers (ten Broeke SW et al. J. Clin. Oncol. 2015 Feb;33:319-25; van der Klift HM et al. Hum. Mutat. 2016 11;37(11):1162-1179; Rossi BM et al. BMC Cancer 2017 Sep;17(1):623). Furthermore, this alteration has been shown to result in nonsense mediated mRNA decay by RT-PCR (van der Klift HM et al. Hum. Mutat. 2010 May;31:578-87). This variant is considered to be rare based on population cohorts in the Genome Aggregation Database (gnomAD). In addition to the clinical data presented in the literature, this alteration is expected to result in loss of function by premature protein truncation or nonsense-mediated mRNA decay. As such, this alteration is interpreted as a disease-causing mutation.

Cambridge Genomics Laboratory, East Genomic Laboratory Hub, NHS Genomic Medicine Service
Classification: Pathogenic for Inherited MMR deficiency (Lynch syndrome). Last evaluated: 2025-03-19. Review status: criteria provided, single submitter. Criteria: ACGS Best Practice Guidelines for Variant Classification in Rare Disease 2020. Collection method: clinical testing. Allele origin: germline. Affected: yes. Not counted in ClinVar's aggregate classification.
Comment: PVS1,PM2_Supporting,PP4_Moderate

Women's Health and Genetics/Laboratory Corporation of America, LabCorp
Classification: Pathogenic for Hereditary nonpolyposis colon cancer. Last evaluated: 2025-01-13. Review status: criteria provided, single submitter. Criteria: LabCorp Variant Classification Summary - May 2015. Collection method: clinical testing. Allele origin: germline. Not counted in ClinVar's aggregate classification.
Comment: Variant summary: PMS2 c.697C>T (p.Gln233X) results in a premature termination codon, predicted to cause a truncation of the encoded protein or absence of the protein due to nonsense mediated decay, which are commonly known mechanisms for disease. The variant allele was found at a frequency of 8e-06 in 251542 control chromosomes. c.697C>T has been reported in the literature in individuals affected with clinical features of PMS2-related conditions (example, Niessen_2009, van der Klift_2016, van der Klift_2010, Susswein_2016). The following publications have been ascertained in the context of this evaluation (PMID: 19132747, 20186688, 26681312, 27435373). ClinVar contains an entry for this variant (Variation ID: 91362). Based on the evidence outlined above, the variant was classified as pathogenic.

GeneDx
Classification: Pathogenic. Last evaluated: 2024-09-26. Review status: criteria provided, single submitter. Criteria: GeneDx Variant Classification Process June 2021. Collection method: clinical testing. Allele origin: germline. Affected: yes. Not counted in ClinVar's aggregate classification.
Comment: Nonsense variant predicted to result in protein truncation or nonsense mediated decay in a gene for which loss of function is a known mechanism of disease; Truncating variants in this gene are considered pathogenic by a well-established clinical consortium and/or database; Not observed at significant frequency in large population cohorts (gnomAD); This variant is associated with the following publications: (PMID: 19132747, 20186688, 27694994, 26681312, 28874130, 27435373, 25512458, 30787465, 31332305, 33087929, 29922827, 35534704, 26110232, 29345684, Chelal2022[article])

Myriad Genetics, Inc.
Classification: Pathogenic for Lynch syndrome 4. Last evaluated: 2023-09-19. Review status: criteria provided, single submitter. Criteria: Myriad Autosomal Dominant, Autosomal Recessive and X-Linked Classification Criteria (2023). Collection method: clinical testing. Allele origin: unknown. Not counted in ClinVar's aggregate classification.
Comment: This variant is considered pathogenic. This variant creates a termination codon and is predicted to result in premature protein truncation.

Revvity Omics, Revvity
Classification: Pathogenic. Last evaluated: 2022-09-24. Review status: criteria provided, single submitter. Criteria: ACMG Guidelines, 2015. Collection method: clinical testing. Allele origin: germline. Not counted in ClinVar's aggregate classification.

Dasa
Classification: Pathogenic for Lynch syndrome. Last evaluated: 2022-04-10. Review status: criteria provided, single submitter. Criteria: ACMG Guidelines, 2015. Collection method: clinical testing. Allele origin: germline. Affected: yes. Observed: 1 variant allele. Not counted in ClinVar's aggregate classification.
Comment: The c.697C>T;p.(Gln233*) variant creates a premature translational stop signal in the PMS2 gene. It is expected to result in an absent or disrupted protein product -PVS1. This sequence change has been observed in affected individual(s) and ClinVar contains an entry for this variant (ClinVar ID: 91362; PMID: 19132747; PMID: 20186688; PMID: 27435373) - PS4. The variant is present at low allele frequencies population databases (rs587779343 – gnomAD 0.0001061%; ABraOM no frequency) - PM2_supporting. The variant was identified in an individual with a highly specific phenotype for the condition (PMID: 19132747, 27435373) - PP4. In summary, the currently available evidence indicates that the variant is pathogenic

Institute of Human Genetics, University of Leipzig Medical Center
Classification: Pathogenic for Lynch syndrome 4. Last evaluated: 2021-12-10. Review status: criteria provided, single submitter. Criteria: ACMG Guidelines, 2015. Collection method: clinical testing. Allele origin: unknown. Affected: yes. Not counted in ClinVar's aggregate classification.
Comment: _x000D_ Criteria applied: PVS1, PS4

Baylor Genetics
Classification: Pathogenic for Lynch syndrome 4. Last evaluated: 2021-11-29. Review status: criteria provided, single submitter. Criteria: ACMG Guidelines, 2015. Collection method: clinical testing. Allele origin: unknown. Not counted in ClinVar's aggregate classification.

NM_000535.7(PMS2):c.697C>T (p.Gln233Ter)

Gene: PMS2 (PMS1 homolog 2, mismatch repair system component; minus strand). Cytogenetic location: 7p22.1.
Variant type: single nucleotide variant.
Coding change: c.697C>T on transcript NM_000535.7 (MANE Select); coding-DNA position 697, C replaced by T.
Protein change: p.Gln233Ter; replaces glutamine 233 with a stop codon.
Molecular consequence: nonsense. On other transcripts: 5 prime UTR variant (2), non-coding transcript variant (1), intron variant (1).
Genome position (GRCh38, 1-based): chr7:5,999,116, G>A on the plus strand (C>T on the coding strand, the complement: PMS2 is on the minus strand). VCF-style: chr7-5999116-G-A. GRCh37 (hg19) VCF-style: chr7-6038747-G-A.
Other names: p.Q233*:CAG>TAG; c.292C>T, p.Gln98Ter (NM_001322003.2, NM_001322004.2, NM_001322005.2 and 2 more transcripts); c.697C>T, p.Gln233Ter (NM_001322006.2, NM_001322014.2); c.379C>T, p.Gln127Ter (NM_001322007.2, NM_001322008.2); c.-237C>T (NM_001322011.2, NM_001322012.2); c.697C>T (NM_000535.6); c.388C>T, p.Gln130Ter (NM_001322015.2); c.133-1693C>T (NM_001322013.2); short protein forms Q233*, Q127*, Q98*, Q130*.
Identifiers: ClinVar variation 91362 (VCV000091362.45), dbSNP rs587779343, ClinGen allele CA012564.